The following is an entry in ClinVar:

NM_001371986.1(UNC80):c.1274A>G (p.Asn425Ser)

Gene: UNC80 (unc-80 subunit of NALCN channel complex; plus strand). Cytogenetic location: 2q34.
Variant type: single nucleotide variant.
Coding change: c.1274A>G on transcript NM_001371986.1 (MANE Select); coding-DNA position 1274, A replaced by G.
Protein change: p.Asn425Ser; replaces asparagine 425 with serine.
Molecular consequence: missense variant.
Genome position (GRCh38, 1-based): chr2:209,815,330, A>G. VCF-style: chr2-209815330-A-G. GRCh37 (hg19) VCF-style: chr2-210680054-A-G.
Other names: c.1274A>G, p.Asn425Ser (NM_032504.2, NM_182587.4); short protein forms N425S.
Identifiers: ClinVar variation 2106826 (VCV002106826.4), dbSNP rs1303982090, ClinGen allele CA350134234.
Genomic context (GRCh38, chr2:209,815,330, plus strand): 5'-AGTGTAACGAGGAGGAAAAATCTCTTAGCTCTGAGGCCTTTTCCAAGGTTTCACTGACCA[A>G]TCTGCGTAGATCTGCAGTCCCAGATCTTTCTTCAGACCTGGGCATGAATATTTTTAAAAA-3'
Protein context (NP_001358915.1, residues 415-435): SEAFSKVSLT[Asn425Ser]LRRSAVPDLS

ClinVar aggregate classification (germline): Uncertain significance (1 of 4 stars; one submission).

Allele frequency attached by ClinVar (database versions not stated): gnomAD exomes 0.00001.
gnomAD v4.1: 4 of 1,551,688 alleles (0.00026%); highest among the groups gnomAD compares: Admixed American, 0.0039%; no homozygotes.

Submission:

Labcorp Genetics (formerly Invitae), Labcorp
Classification: Uncertain significance. Last evaluated: 2022-07-04. Review status: criteria provided, single submitter. Criteria: Invitae Variant Classification Sherloc (09022015). Collection method: clinical testing. Allele origin: germline.
Comment: This variant is present in population databases (no rsID available, gnomAD 0.008%). This sequence change replaces asparagine, which is neutral and polar, with serine, which is neutral and polar, at codon 425 of the UNC80 protein (p.Asn425Ser). This variant has not been reported in the literature in individuals affected with UNC80-related conditions. In summary, the available evidence is currently insufficient to determine the role of this variant in disease. Therefore, it has been classified as a Variant of Uncertain Significance. Algorithms developed to predict the effect of missense changes on protein structure and function are either unavailable or do not agree on the potential impact of this missense change (SIFT: "Not Available"; PolyPhen-2: "Possibly Damaging"; Align-GVGD: "Not Available").